The following is an entry in ClinVar:

NM_000535.7(PMS2):c.1847T>A (p.Val616Glu)

Gene: PMS2 (PMS1 homolog 2, mismatch repair system component; minus strand). Cytogenetic location: 7p22.1.
Variant type: single nucleotide variant.
Coding change: c.1847T>A on transcript NM_000535.7 (MANE Select); coding-DNA position 1847, T replaced by A.
Protein change: p.Val616Glu; replaces valine 616 with glutamic acid.
Molecular consequence: missense variant. On other transcripts: non-coding transcript variant (1), intron variant (1).
Genome position (GRCh38, 1-based): chr7:5,986,918, A>T on the plus strand (T>A on the coding strand, the complement: PMS2 is on the minus strand). VCF-style: chr7-5986918-A-T. GRCh37 (hg19) VCF-style: chr7-6026549-A-T.
Other names: c.1442T>A, p.Val481Glu (NM_001406910.1, NM_001018040.1, NM_001322003.2 and 17 more transcripts); c.1076T>A, p.Val359Glu (NM_001406911.1); c.804-3927T>A (NM_001406912.1); c.1691T>A, p.Val564Glu (NM_001322006.2, NM_001406870.1); c.1529T>A, p.Val510Glu (NM_001322007.2, NM_001322008.2, NM_001406876.1 and 2 more transcripts); c.1286T>A, p.Val429Glu (NM_001322010.2, NM_001406906.1, NM_001406907.1); c.914T>A, p.Val305Glu (NM_001322011.2, NM_001322012.2); c.1274T>A, p.Val425Glu (NM_001322013.2, NM_001406909.1); and 13 more; short protein forms V305E, V458E, V481E, V504E, V564E, V580E, V429E, V445E.
Identifiers: ClinVar variation 2761036 (VCV002761036.4), dbSNP rs1583314800, ClinGen allele CA366739605.
Genomic context (GRCh38, chr7:5,986,918, plus strand): 5'-GCTTCATGATGTAACTGCTTTATTCGTTTAGCTAAAGAACTCATAGAAAAGTCCAGGGGC[A>T]CAACTTTCTTATTAATTTTCACAGCTACATCAACCTGAGAGGCTGACATGTCCTGAGTAT-3'
Protein context (NP_000526.2, residues 606-626): DVAVKINKKV[Val616Glu]PLDFSMSSLA

ClinVar aggregate classification (germline): Uncertain significance. Review status: criteria provided, multiple submitters, no conflicts (2 of 4 stars). 2 submissions from 2 submitters: Uncertain significance (2). Last evaluated 2025-10-06.

Conditions:
Hereditary cancer-predisposing syndrome. Also called: Neoplastic Syndromes, Hereditary; Hereditary Cancer Syndrome; Hereditary neoplastic syndrome; Tumor predisposition. Identifiers: Orphanet 140162, MedGen C0027672, MeSH D009386, MONDO:0015356.
Hereditary nonpolyposis colorectal neoplasms. Identifiers: MedGen C0009405, MeSH D003123.

Submissions (2):

Labcorp Genetics (formerly Invitae), Labcorp
Classification: Uncertain significance for Hereditary nonpolyposis colorectal neoplasms. Last evaluated: 2025-10-06. Review status: criteria provided, single submitter. Criteria: Invitae Variant Classification Sherloc (09022015). Collection method: clinical testing. Allele origin: germline.
Comment: This sequence change replaces valine, which is neutral and non-polar, with glutamic acid, which is acidic and polar, at codon 616 of the PMS2 protein (p.Val616Glu). This variant is not present in population databases (gnomAD no frequency). This variant has not been reported in the literature in individuals affected with PMS2-related conditions. ClinVar contains an entry for this variant (Variation ID: 2761036). Invitae Evidence Modeling incorporating data from in vitro experimental studies (internal data) indicates that this missense variant is not expected to disrupt PMS2 function with a negative predictive value of 95%. In summary, the available evidence is currently insufficient to determine the role of this variant in disease. Therefore, it has been classified as a Variant of Uncertain Significance.

Ambry Genetics
Classification: Uncertain significance for Hereditary cancer-predisposing syndrome. Last evaluated: 2024-10-08. Review status: criteria provided, single submitter. Criteria: Ambry Variant Classification Scheme 2023. Collection method: clinical testing. Allele origin: germline.
Comment: The p.V616E variant (also known as c.1847T>A), located in coding exon 11 of the PMS2 gene, results from a T to A substitution at nucleotide position 1847. The valine at codon 616 is replaced by glutamic acid, an amino acid with dissimilar properties. This amino acid position is conserved. In addition, this alteration is predicted to be tolerated by in silico analysis. Based on the available evidence, the clinical significance of this variant remains unclear.